The following is an entry in ClinVar:

NM_003200.5(TCF3):c.1085G>A (p.Gly362Asp)

Gene: TCF3 (transcription factor 3; minus strand). Cytogenetic location: 19p13.3.
Variant type: single nucleotide variant.
Coding change: c.1085G>A on transcript NM_003200.5 (MANE Select); coding-DNA position 1085, G replaced by A.
Protein change: p.Gly362Asp; replaces glycine 362 with aspartic acid.
Molecular consequence: missense variant.
Genome position (GRCh38, 1-based): chr19:1,620,976, C>T on the plus strand (G>A on the coding strand, the complement: TCF3 is on the minus strand). VCF-style: chr19-1620976-C-T. GRCh37 (hg19) VCF-style: chr19-1620975-C-T.
Other names: c.1085G>A, p.Gly362Asp (NM_001136139.4, NM_001351778.2, NM_001351779.2); short protein forms G362D.
Identifiers: ClinVar variation 731135 (VCV000731135.15), dbSNP rs148928381, ClinGen allele CA9050079.

ClinVar aggregate classification (germline): Likely benign. Review status: criteria provided, multiple submitters, no conflicts (2 of 4 stars). 4 submissions from 4 submitters: Likely benign (3). 1 of the submissions does not count toward it. Last evaluated 2026-04-16.

Conditions:
TCF3-related disorder. Also called: TCF3-related condition.

Allele frequency attached by ClinVar (database versions not stated): ESP Exome Variant Server 0.00117; gnomAD exomes 0.00120 and 0.00172; 1000 Genomes Project 0.00140; gnomAD 0.00155 and 0.00175; 1000 Genomes Project 30x 0.00156; TOPMed 0.00230; ExAC 0.00260.
gnomAD v4.1: 2,612 of 1,509,448 alleles (0.17%); highest among the groups gnomAD compares: Admixed American, 0.33%; no homozygotes.

Submissions (4):

Women's Health and Genetics/Laboratory Corporation of America, LabCorp
Classification: Likely benign. Last evaluated: 2026-04-16. Review status: criteria provided, single submitter. Criteria: LabCorp Variant Classification Summary - May 2015. Collection method: clinical testing. Allele origin: germline.
Comment: Variant summary: TCF3 c.1085G>A (p.Gly362Asp) results in a non-conservative amino acid change in the encoded protein sequence. Algorithms developed to predict the effect of missense changes on protein structure and function are either unavailable or do not agree on the potential impact of this missense change. The variant allele was found at a frequency of 0.0012 in 133410 control chromosomes, predominantly at a frequency of 0.0029 within the Latino subpopulation in the gnomAD database. The observed variant frequency within Latino control individuals in the gnomAD database exceeds the estimated maximal expected allele frequency for disease-causing variants in TCF3. To our knowledge, no occurrence of c.1085G>A in individuals affected with TCF3-related conditions and no experimental evidence demonstrating its impact on protein function have been reported. ClinVar contains an entry for this variant (Variation ID: 731135). Based on the evidence outlined above, the variant was classified as likely benign.

Labcorp Genetics (formerly Invitae), Labcorp
Classification: Likely benign. Last evaluated: 2026-02-01. Review status: criteria provided, single submitter. Criteria: Invitae Variant Classification Sherloc (09022015). Collection method: clinical testing. Allele origin: germline.

Blueprint Genetics
Classification: Likely benign. Last evaluated: 2024-11-22. Review status: criteria provided, single submitter. Criteria: ACMG Guidelines, 2015. Collection method: clinical testing. Allele origin: germline.

PreventionGenetics, part of Exact Sciences
Classification: Likely benign for TCF3-related condition. Last evaluated: 2019-04-30. Review status: no assertion criteria provided. Collection method: clinical testing. Allele origin: germline. Not counted in ClinVar's aggregate classification.
Comment: This variant is classified as likely benign based on ACMG/AMP sequence variant interpretation guidelines (Richards et al. 2015 PMID: 25741868, with internal and published modifications).